The following is an entry in ClinVar:

ClinVar aggregate classification (germline): Uncertain significance. Review status: criteria provided, multiple submitters, no conflicts (2 of 4 stars). 2 submissions from 2 submitters: Uncertain significance (2). Last evaluated 2023-10-24.

Conditions:
Inborn genetic diseases. Identifiers: MedGen C0950123, MeSH D030342.

Allele frequency attached by ClinVar (database versions not stated): ExAC 0.00013; gnomAD 0.00013; TOPMed 0.00013; ESP Exome Variant Server 0.00023.
gnomAD v4.1: 205 of 1,612,544 alleles (0.013%); highest among the groups gnomAD compares: Admixed American, 0.023%; 1 homozygote.

Submissions (2):

Women's Health and Genetics/Laboratory Corporation of America, LabCorp
Classification: Uncertain significance. Last evaluated: 2023-10-24. Review status: criteria provided, single submitter. Criteria: LabCorp Variant Classification Summary - May 2015. Collection method: clinical testing. Allele origin: germline.
Comment: Variant summary: JPH3 c.524C>T (p.Thr175Met) results in a non-conservative amino acid change in the encoded protein sequence. Three of five in-silico tools predict a damaging effect of the variant on protein function. The variant allele was found at a frequency of 0.00017 in 246260 control chromosomes. To our knowledge, no occurrence of c.524C>T in individuals affected with Huntington Disease-Like 2 and no experimental evidence demonstrating its impact on protein function have been reported. One submitter has cited clinical-significance assessments for this variant to ClinVar after 2014 and has classified the variant as uncertain significance. Based on the evidence outlined above, the variant was classified as uncertain significance.

Ambry Genetics
Classification: Uncertain significance for Inborn genetic diseases. Last evaluated: 2021-10-29. Review status: criteria provided, single submitter. Criteria: Ambry Variant Classification Scheme 2023. Collection method: clinical testing. Allele origin: germline.

NM_020655.4(JPH3):c.524C>T (p.Thr175Met)

Gene: JPH3 (junctophilin 3; plus strand). Cytogenetic location: 16q24.2.
Variant type: single nucleotide variant.
Coding change: c.524C>T on transcript NM_020655.4 (MANE Select); coding-DNA position 524, C replaced by T.
Protein change: p.Thr175Met; replaces threonine 175 with methionine.
Molecular consequence: missense variant. On other transcripts: non-coding transcript variant (1).
Genome position (GRCh38, 1-based): chr16:87,644,399, C>T. VCF-style: chr16-87644399-C-T. GRCh37 (hg19) VCF-style: chr16-87678005-C-T.
Other names: short protein forms T175M.
Identifiers: ClinVar variation 2378470 (VCV002378470.3), dbSNP rs151044284, ClinGen allele CA8220733.
Genomic context (GRCh38, chr16:87,644,399, plus strand): 5'-TCATCCGCTCACCCCTGAGGACGTCCATCAACTCCCTGCGCAGCGAGCACACCAACGGCA[C>T]GGCGCTGCATCCCGACGCCTCTCCGGCGGTGGCCGGCAGCCCGGCCGTGTCCCGCGGGGG-3'
Protein context (NP_065706.2, residues 165-185): NSLRSEHTNG[Thr175Met]ALHPDASPAV